The following is an entry in ClinVar:

NM_005591.4(MRE11):c.482A>C (p.Lys161Thr)

Gene: MRE11 (MRE11 double strand break repair nuclease; minus strand). Cytogenetic location: 11q21.
Variant type: single nucleotide variant.
Coding change: c.482A>C on transcript NM_005591.4 (MANE Select); coding-DNA position 482, A replaced by C.
Protein change: p.Lys161Thr; replaces lysine 161 with threonine.
Molecular consequence: missense variant.
Genome position (GRCh38, 1-based): chr11:94,478,797, T>G on the plus strand (A>C on the coding strand, the complement: MRE11 is on the minus strand). VCF-style: chr11-94478797-T-G. GRCh37 (hg19) VCF-style: chr11-94211963-T-G.
Other names: c.482A>C, p.Lys161Thr (NM_001330347.2, NM_005590.4); short protein forms K161T.
Identifiers: ClinVar variation 3397839 (VCV003397839.1).
Genomic context (GRCh38, chr11:94,478,797, plus strand): 5'-AAACCATATAGCGCAATCTTTGTGCTTCCTTTTTGAAGCAAAACCGGACTAATGTCTATC[T>G]TCTCCACAGACATTGAACGTCCAAAGTGATTTACAAATCCAGCACAACTTAAAATGTCCA-3'
Protein context (NP_005582.1, residues 151-171): NHFGRSMSVE[Lys161Thr]IDISPVLLQK

ClinVar aggregate classification (germline): Uncertain significance (1 of 4 stars; one submission).

Conditions:
Hereditary cancer-predisposing syndrome. Also called: Hereditary Cancer Syndrome; Tumor predisposition; Hereditary neoplastic syndrome; Neoplastic Syndromes, Hereditary. Identifiers: Orphanet 140162, MedGen C0027672, MeSH D009386, MONDO:0015356.

Submission:

Ambry Genetics
Classification: Uncertain significance for Hereditary cancer-predisposing syndrome. Last evaluated: 2024-07-16. Review status: criteria provided, single submitter. Criteria: Ambry Variant Classification Scheme 2023. Collection method: clinical testing. Allele origin: germline.
Comment: The p.K161T variant (also known as c.482A>C), located in coding exon 5 of the MRE11A gene, results from an A to C substitution at nucleotide position 482. The lysine at codon 161 is replaced by threonine, an amino acid with similar properties. This amino acid position is conserved. In addition, the in silico prediction for this alteration is inconclusive. Based on the available evidence, the clinical significance of this variant remains unclear.